The following is an entry in ClinVar:

NM_002485.5(NBN):c.1343A>G (p.Gln448Arg)

Gene: NBN (nibrin; minus strand). Cytogenetic location: 8q21.3.
Variant type: single nucleotide variant.
Coding change: c.1343A>G on transcript NM_002485.5 (MANE Select); coding-DNA position 1343, A replaced by G.
Protein change: p.Gln448Arg; replaces glutamine 448 with arginine.
Molecular consequence: missense variant.
Genome position (GRCh38, 1-based): chr8:89,955,337, T>C on the plus strand (A>G on the coding strand, the complement: NBN is on the minus strand). VCF-style: chr8-89955337-T-C. GRCh37 (hg19) VCF-style: chr8-90967565-T-C.
Other names: c.1097A>G, p.Gln366Arg (NM_001024688.3, NM_001440379.1, NM_001440380.1); short protein forms Q448R, Q366R.
Identifiers: ClinVar variation 4117281 (VCV004117281.1).

ClinVar aggregate classification (germline): Uncertain significance (1 of 4 stars; one submission).

Conditions:
Hereditary cancer-predisposing syndrome. Also called: Hereditary neoplastic syndrome; Neoplastic Syndromes, Hereditary; Tumor predisposition; Hereditary Cancer Syndrome. Identifiers: Orphanet 140162, MedGen C0027672, MeSH D009386, MONDO:0015356.

Submission:

Ambry Genetics
Classification: Uncertain significance for Hereditary cancer-predisposing syndrome. Last evaluated: 2025-09-10. Review status: criteria provided, single submitter. Criteria: Ambry Variant Classification Scheme 2023. Collection method: clinical testing. Allele origin: germline.
Comment: The p.Q448R variant (also known as c.1343A>G), located in coding exon 10 of the NBN gene, results from an A to G substitution at nucleotide position 1343. The glutamine at codon 448 is replaced by arginine, an amino acid with highly similar properties. This amino acid position is conserved. In addition, this alteration is predicted to be tolerated by in silico analysis. Based on the available evidence, the clinical significance of this variant remains unclear.